The following is an entry in ClinVar:

ClinVar aggregate classification (germline): Conflicting classifications of pathogenicity. Review status: criteria provided, conflicting classifications (1 of 4 stars). 2 submissions from 2 submitters: Uncertain significance (1); Likely benign (1). Last evaluated 2025-04-15.

Conditions:
Cardiovascular phenotype. Identifiers: MedGen CN230736.

Allele frequency attached by ClinVar (database versions not stated): gnomAD exomes below 0.00001 and 0.00002; ExAC 0.00002; TOPMed 0.00002.
gnomAD v4.1: 5 of 1,614,060 alleles (0.00031%); highest among the groups gnomAD compares: East Asian, 0.0089%; no homozygotes.

Submissions (2):

Ambry Genetics
Classification: Likely benign for Cardiovascular phenotype. Last evaluated: 2025-04-15. Review status: criteria provided, single submitter. Criteria: Ambry Variant Classification Scheme 2023. Collection method: clinical testing. Allele origin: germline.

GeneDx
Classification: Uncertain significance. Last evaluated: 2016-11-03. Review status: criteria provided, single submitter. Criteria: GeneDx Variant Classification (06012015). Collection method: clinical testing. Allele origin: germline. Affected: yes.
Comment: The S20N variant of uncertain significance in the SCN3B gene has not been published as a pathogenic or benign variant to our knowledge. This variant was not observed in approximately 6,500 individuals of European and African American ancestry in the NHLBI Exome Sequencing Project or with any significant frequency in the Exome Aggregation Consortium, indicating it is not a common benign variant in these populations. The S20N variant is a conservative amino acid substitution, which is not likely to impact secondary protein structure as these residues share similar properties. This substitution also occurs at a position that is not conserved across species, and N20 is tolerated in at least two species. Furthermore, the majority of in silico tools predict this variant likely does not alter the protein structure/function. Therefore, based on the currently available information, it is unclear whether this variant is pathogenic or rare benign.

NM_001040151.2(SCN3B):c.59G>A (p.Ser20Asn)

Gene: SCN3B (sodium voltage-gated channel beta subunit 3; minus strand). Cytogenetic location: 11q24.1.
Variant type: single nucleotide variant.
Coding change: c.59G>A on transcript NM_001040151.2 (MANE Select); coding-DNA position 59, G replaced by A.
Protein change: p.Ser20Asn; replaces serine 20 with asparagine.
Molecular consequence: missense variant.
Genome position (GRCh38, 1-based): chr11:123,645,747, C>T on the plus strand (G>A on the coding strand, the complement: SCN3B is on the minus strand). VCF-style: chr11-123645747-C-T. GRCh37 (hg19) VCF-style: chr11-123516455-C-T.
Other names: p.S20N:AGT>AAT; c.59G>A, p.Ser20Asn (NM_018400.4); short protein forms S20N.
Identifiers: ClinVar variation 190887 (VCV000190887.5), dbSNP rs779277447, ClinGen allele CA302207.